The following is an entry in ClinVar:

NM_000157.4(GBA1):c.1129G>A (p.Ala377Thr)

Genes: GBA1 (glucosylceramidase beta 1; minus strand), LOC106627981 (GBA recombination region; plus strand). Cytogenetic location: 1q22.
Variant type: single nucleotide variant.
Coding change: c.1129G>A on transcript NM_000157.4 (MANE Select); coding-DNA position 1129, G replaced by A.
Protein change: p.Ala377Thr; replaces alanine 377 with threonine.
Molecular consequence: missense variant.
Genome position (GRCh38, 1-based): chr1:155,236,340, C>T on the plus strand (G>A on the coding strand, the complement: GBA1 is on the minus strand). VCF-style: chr1-155236340-C-T. GRCh37 (hg19) VCF-style: chr1-155206131-C-T.
Other names: c.1129G>A (NM_000157.3); c.1129G>A, p.Ala377Thr (NM_001005741.3, NM_001005742.3); c.868G>A, p.Ala290Thr (NM_001171811.2); c.982G>A, p.Ala328Thr (NM_001171812.2); short protein forms A290T, A328T, A377T.
Identifiers: ClinVar variation 3895867 (VCV003895867.3).

ClinVar aggregate classification (germline): Conflicting classifications of pathogenicity. Review status: criteria provided, conflicting classifications (1 of 4 stars). 2 submissions from 2 submitters: Likely pathogenic (1); Uncertain significance (1). Last evaluated 2025-03-12.

Conditions:
Gaucher disease. Also called: Acute cerebral Gaucher disease; Cerebroside lipidosis syndrome; Gaucher splenomegaly; Sphingolipidosis 1; Glucocerebrosidosis; Glucosylceramidase deficiency. Identifiers: Orphanet 355, MedGen C0017205, MONDO:0018150.

gnomAD v4.1: 1 of 1,614,212 alleles (0.000062%); highest among the groups gnomAD compares: African/African-American, 0.0013%; no homozygotes.

Submissions (2):

Natera, Inc.
Classification: Likely pathogenic for Gaucher disease. Last evaluated: 2025-03-12. Review status: criteria provided, single submitter. Criteria: Natera Variant Classification Schema (03/2026). Collection method: clinical testing. Allele origin: germline.
Comment: The c.1129G>A variant in GBA1 is a missense variant predicted to cause substitution of alanine to threonine at amino acid 377. This variant is rare in the general population with a frequency below the threshold expected for the associated phenotype(s). This variant has been observed in one or more individuals affected with the associated recessive disease, as either homozygous or compound heterozygous with a second variant (PMID: 33473340). This variant has been identified in one or more affected individuals with a phenotype highly consistent with the associated gene (PMID: 33473340). Computational prediction algorithms indicate this variant is likely to affect gene or protein function. Given the available evidence, this variant is classified as Likely Pathogenic.

Women's Health and Genetics/Laboratory Corporation of America, LabCorp
Classification: Uncertain significance. Last evaluated: 2025-03-03. Review status: criteria provided, single submitter. Criteria: LabCorp Variant Classification Summary - May 2015. Collection method: clinical testing. Allele origin: germline.
Comment: Variant summary: GBA1 c.1129G>A (p.Ala377Thr) results in a non-conservative amino acid change in the encoded protein sequence. Four of five in-silico tools predict a damaging effect of the variant on protein function. The variant was absent in 251460 control chromosomes (gnomAD). The available data on variant occurrences in the general population are insufficient to allow any conclusion about variant significance. c.1129G>A has been reported in the literature in an individual affected with Gaucher Disease and was in trans with a pathogenic variant (Cullufi_2021). These data do not allow any conclusion about variant significance. To our knowledge, no experimental evidence demonstrating an impact on protein function has been reported. The following publication has been ascertained in the context of this evaluation (PMID: 33473340). No submitters have cited clinical-significance assessments for this variant to ClinVar. Based on the evidence outlined above, the variant was classified as uncertain significance.

Literature cited by the submitters: PubMed 33473340 (cited by Natera, Inc. and Women's Health and Genetics/Laboratory Corporation of America, LabCorp).